The following is an entry in ClinVar:

NM_182760.4(SUMF1):c.602+13C>T

Gene: SUMF1 (sulfatase modifying factor 1; minus strand). Cytogenetic location: 3p26.1.
Variant type: single nucleotide variant.
Coding change: c.602+13C>T on transcript NM_182760.4 (MANE Select); 13 bases into the intron after coding-DNA position 602, C replaced by T.
Molecular consequence: intron variant.
Genome position (GRCh38, 1-based): chr3:4,420,051, G>A on the plus strand (C>T on the coding strand, the complement: SUMF1 is on the minus strand). VCF-style: chr3-4420051-G-A. GRCh37 (hg19) VCF-style: chr3-4461735-G-A.
Other names: c.527+13C>T (NM_001164674.2); c.602+13C>T (NM_001164675.2).
Identifiers: ClinVar variation 345318 (VCV000345318.19), dbSNP rs80204284, ClinGen allele CA2230540.

ClinVar aggregate classification (germline): Benign. Review status: criteria provided, multiple submitters, no conflicts (2 of 4 stars). 5 submissions from 5 submitters: Benign (4). 1 of the submissions does not count toward it. Last evaluated 2026-02-04.

Conditions:
Multiple sulfatase deficiency (MSD). Also called: Mucosulfatidosis; Multiple Sulfatase Deficiency Disease; Sulfatidosis, Juvenile, Austin Type. Identifiers: Orphanet 585, MedGen C0268263, MONDO:0010088, OMIM 272200.

Allele frequency attached by ClinVar (database versions not stated): gnomAD exomes 0.00786 and 0.01871; ESP Exome Variant Server 0.01307; TOPMed 0.01695; gnomAD 0.01808 and 0.01903; ExAC 0.01819; 1000 Genomes Project 30x 0.03623; 1000 Genomes Project 0.03774.
gnomAD v4.1: 14,537 of 1,612,930 alleles (0.9%); highest among the groups gnomAD compares: East Asian, 5.7%; 306 homozygotes.

Submissions (5):

Labcorp Genetics (formerly Invitae), Labcorp
Classification: Benign for Multiple sulfatase deficiency. Last evaluated: 2026-02-04. Review status: criteria provided, single submitter. Criteria: Invitae Variant Classification Sherloc (09022015). Collection method: clinical testing. Allele origin: germline.

GeneDx
Classification: Benign. Last evaluated: 2019-03-24. Review status: criteria provided, single submitter. Criteria: GeneDx Variant Classification Process June 2021. Collection method: clinical testing. Allele origin: germline. Affected: yes.

Illumina Laboratory Services, Illumina
Classification: Benign for Multiple sulfatase deficiency. Last evaluated: 2018-01-13. Review status: criteria provided, single submitter. Criteria: ICSL Variant Classification Criteria 13 December 2019. Collection method: clinical testing. Allele origin: germline.
Comment: This variant was observed in the ICSL laboratory as part of a predisposition screen in an ostensibly healthy population. It had not been previously curated by ICSL or reported in the Human Gene Mutation Database (HGMD: prior to June 1st, 2018), and was therefore a candidate for classification through an automated scoring system. Utilizing variant allele frequency, disease prevalence and penetrance estimates, and inheritance mode, an automated score was calculated to assess if this variant is too frequent to cause the disease. Based on the score and internal cut-off values, a variant classified as benign is not then subjected to further curation. The score for this variant resulted in a classification of benign for this disease.

Breakthrough Genomics
Classification: Benign. Review status: criteria provided, single submitter. Criteria: ACMG Guidelines, 2015. Collection method: not provided. Allele origin: germline. Inheritance: Autosomal recessive inheritance. Affected: yes.

Mayo Clinic Laboratories, Mayo Clinic
Classification: Benign. Last evaluated: 2015-10-26. Review status: no assertion criteria provided. Collection method: clinical testing. Allele origin: unknown. Not counted in ClinVar's aggregate classification.